The following is an entry in ClinVar:

NM_031935.3(HMCN1):c.11561+6G>A

Gene: HMCN1 (hemicentin 1; plus strand). Cytogenetic location: 1q31.1.
Variant type: single nucleotide variant.
Coding change: c.11561+6G>A on transcript NM_031935.3 (MANE Select); 6 bases into the intron after coding-DNA position 11561, G replaced by A.
Molecular consequence: intron variant.
Genome position (GRCh38, 1-based): chr1:186,115,420, G>A. VCF-style: chr1-186115420-G-A. GRCh37 (hg19) VCF-style: chr1-186084552-G-A.
Identifiers: ClinVar variation 1498036 (VCV001498036.6), dbSNP rs370284965, ClinGen allele CA1294076.

ClinVar aggregate classification (germline): Uncertain significance (1 of 4 stars; one submission).

Allele frequency attached by ClinVar (database versions not stated): gnomAD exomes 0.00001 and 0.00003; ExAC 0.00004; ESP Exome Variant Server 0.00015; gnomAD 0.00027 and 0.00029.
gnomAD v4.1: 64 of 1,611,042 alleles (0.004%); highest among the groups gnomAD compares: African/African-American, 0.076%; 1 homozygote.

Submission:

Labcorp Genetics (formerly Invitae), Labcorp
Classification: Uncertain significance. Last evaluated: 2025-10-20. Review status: criteria provided, single submitter. Criteria: Invitae Variant Classification Sherloc (09022015). Collection method: clinical testing. Allele origin: germline.
Comment: This sequence change falls in intron 75 of the HMCN1 gene. It does not directly change the encoded amino acid sequence of the HMCN1 protein. It affects a nucleotide within the consensus splice site. This variant is present in population databases (rs370284965, gnomAD 0.07%), and has an allele count higher than expected for a pathogenic variant. This variant has not been reported in the literature in individuals affected with HMCN1-related conditions. ClinVar contains an entry for this variant (Variation ID: 1498036). Variants that disrupt the consensus splice site are a relatively common cause of aberrant splicing (PMID: 17576681, 9536098). Algorithms developed to predict the effect of sequence changes on RNA splicing suggest that this variant is not likely to affect RNA splicing. In summary, the available evidence is currently insufficient to determine the role of this variant in disease. Therefore, it has been classified as a Variant of Uncertain Significance.

Literature cited by the submitters: PubMed 17576681; PubMed 9536098.